The following is an entry in ClinVar:

ClinVar aggregate classification (germline): Uncertain significance. Review status: criteria provided, multiple submitters, no conflicts (2 of 4 stars). 2 submissions from 2 submitters: Uncertain significance (2). Last evaluated 2022-06-19.

Conditions:
Inborn genetic diseases. Identifiers: MedGen C0950123, MeSH D030342.

Allele frequency attached by ClinVar (database versions not stated): gnomAD 0.00003; TOPMed 0.00004; gnomAD exomes 0.00005; ExAC 0.00007.
gnomAD v4.1: 82 of 1,607,976 alleles (0.0051%); highest among the groups gnomAD compares: Admixed American, 0.0033%; no homozygotes.

Submissions (2):

Labcorp Genetics (formerly Invitae), Labcorp
Classification: Uncertain significance. Last evaluated: 2022-06-19. Review status: criteria provided, single submitter. Criteria: Invitae Variant Classification Sherloc (09022015). Collection method: clinical testing. Allele origin: germline.
Comment: This sequence change replaces proline, which is neutral and non-polar, with serine, which is neutral and polar, at codon 953 of the PTPN23 protein (p.Pro953Ser). This variant is present in population databases (rs745601752, gnomAD 0.1%). This variant has not been reported in the literature in individuals affected with PTPN23-related conditions. Algorithms developed to predict the effect of missense changes on protein structure and function are either unavailable or do not agree on the potential impact of this missense change (SIFT: "Tolerated"; PolyPhen-2: "Not Available"; Align-GVGD: "Class C0"). In summary, the available evidence is currently insufficient to determine the role of this variant in disease. Therefore, it has been classified as a Variant of Uncertain Significance.

Ambry Genetics
Classification: Uncertain significance for Inborn genetic diseases. Last evaluated: 2021-09-13. Review status: criteria provided, single submitter. Criteria: Ambry Variant Classification Scheme 2023. Collection method: clinical testing. Allele origin: germline.

NM_015466.4(PTPN23):c.2857C>T (p.Pro953Ser)

Gene: PTPN23 (protein tyrosine phosphatase non-receptor type 23; plus strand). Cytogenetic location: 3p21.31.
Variant type: single nucleotide variant.
Coding change: c.2857C>T on transcript NM_015466.4 (MANE Select); coding-DNA position 2857, C replaced by T.
Protein change: p.Pro953Ser; replaces proline 953 with serine.
Molecular consequence: missense variant.
Genome position (GRCh38, 1-based): chr3:47,410,655, C>T. VCF-style: chr3-47410655-C-T. GRCh37 (hg19) VCF-style: chr3-47452145-C-T.
Other names: c.2479C>T, p.Pro827Ser (NM_001304482.2); c.2857C>T (NM_015466.2); short protein forms P953S, P827S.
Identifiers: ClinVar variation 2149143 (VCV002149143.2), dbSNP rs745601752, ClinGen allele CA2366138.
Genomic context (GRCh38, chr3:47,410,655, plus strand): 5'-CCGGCACAGCACCACTTCTCTTCTGGGATCCCCGCAGGTTTTCCAGCCCCAAGGATTGGG[C>T]CCCAGCCCCAGCCCCATCCTCAGCCCCATCCTTCACAAGCGTTTGGGCCTCAGCCCCCAC-3'
Protein context (NP_056281.1, residues 943-963): PAGFPAPRIG[Pro953Ser]QPQPHPQPHP